The following is an entry in ClinVar:

NM_207037.2(TCF12):c.1143dup (p.Gln382fs)

Gene: TCF12 (transcription factor 12; plus strand). Cytogenetic location: 15q21.3.
Variant type: Duplication.
Coding change: c.1143dup on transcript NM_207037.2 (MANE Select); coding-DNA position 1143, one base duplicated (G; older notation c.1143dupG).
Protein change: p.Gln382fs; shifts the reading frame from glutamine 382.
Molecular consequence: frameshift variant.
Genome position (GRCh38, 1-based): chr15:57,251,378, G duplicated; the last of 3 consecutive G bases (chr15:57,251,376-57,251,378); duplicating any one gives the same sequence. VCF-style (leftmost placement, unchanged base first): chr15-57251375-A-AG. GRCh37 (hg19) VCF-style: chr15-57543573-A-AG.
Other names: c.633dup, p.Gln212fs (NM_001306219.3, NM_207040.2); c.435dup, p.Gln146fs (NM_001306220.3); c.1143dup, p.Gln382fs (NM_001322151.2, NM_001322152.2, NM_001322157.3 and 7 more transcripts); c.486dup, p.Gln163fs (NM_001322154.2); c.969dup, p.Gln324fs (NM_001322156.2, NM_001322158.2); c.1179dup, p.Gln394fs (NM_001322164.2); short protein forms Q146fs, Q163fs, Q212fs, Q324fs, Q382fs, Q394fs.
Identifiers: ClinVar variation 3900777 (VCV003900777.1).

ClinVar aggregate classification (germline): Pathogenic (1 of 4 stars; one submission).

Submission:

GeneDx
Classification: Pathogenic. Last evaluated: 2024-11-26. Review status: criteria provided, single submitter. Criteria: GeneDx Variant Classification Process June 2021. Collection method: clinical testing. Allele origin: germline. Affected: yes.
Comment: Frameshift variant predicted to result in protein truncation or nonsense mediated decay in a gene for which loss-of-function is a known mechanism of disease; Not observed at significant frequency in large population cohorts (gnomAD); Has not been previously published as pathogenic or benign to our knowledge